The following is an entry in ClinVar:

ClinVar aggregate classification (germline): Pathogenic. Review status: criteria provided, single submitter (1 of 4 stars). 2 submissions from 2 submitters: Pathogenic (1). 1 of the submissions does not count toward it. Last evaluated 2026-02-26.

Conditions:
Brachyphalangy, polydactyly, and tibial aplasia/hypoplasia. Identifiers: MedGen C1864965, MONDO:0012374, OMIM 609945.

Submissions (2):

Centro Nacional de Genética Medica, Administración Nacional de Laboratorios e Institutos de Salud (ANLIS) “Dr. Carlos G Malbrán”
Classification: Pathogenic for Brachyphalangy, polydactyly, and tibial aplasia/hypoplasia. Last evaluated: 2026-02-26. Review status: criteria provided, single submitter. Criteria: ACMG Guidelines, 2015. Collection method: research. Allele origin: germline. Affected: yes. Observed: 1 variant allele.
Comment: The variant NM_002128.7:c.551_554del is located in exon 5 of HMGB1 gene. Frameshift mutations in exon 5 replace the intrinsically disordered acidic tail of HMGB1 with an arginine-rich basic tail. The mutant tail disrupts HMGB1's phase separation, enhances its partitioning in the nucleolus, and causes nucleolar dysfunction. Mensah M.A. et al (PMID:36755093) presents 5 cases, 4 with the same variant, and another with a different frameshift, all in exon 5 of the gene (acid tail). Classification: Pathogenic (4PM+2PP) PS3_Supporting: Mensah M.A. et al. demonstrate the harmful effects of the variant with functional studies. PS4_Moderate: There are several unrelated families (our patient and Mensah M.A. et al. report 4) where individuals with the variant exhibit the pathology. PM1: The variant affects the acid tail. PM4: The protein length is affected. PM6: Mensah M.A. et al. report the de novo variant in 3 families without paternity confirmation by STRs, with high consistency with the phenotype. PM2_Supporting: The variant is not reported in the general population. PP4: Based on Mensah M.A. et al., the patient's phenotype corresponds.

Clinical Genetics Laboratory, University Hospital Schleswig-Holstein
Classification: Pathogenic for Brachyphalangy, polydactyly, and tibial aplasia/hypoplasia. Last evaluated: 2022-06-01. Review status: no assertion criteria provided. Collection method: research. Allele origin: unknown, de novo. Affected: yes. Observed: 4 heterozygotes. Not counted in ClinVar's aggregate classification.

Literature cited by the submitters: PubMed 36755093 (cited by Centro Nacional de Genética Medica, Administración Nacional de Laboratorios e Institutos de Salud (ANLIS) “Dr. Carlos G Malbrán”).

NM_002128.7(HMGB1):c.551_554del (p.Lys184fs)

Gene: HMGB1 (high mobility group box 1; minus strand). Cytogenetic location: 13q12.3.
Variant type: Deletion.
Coding change: c.551_554del on transcript NM_002128.7 (MANE Select); coding-DNA positions 551 to 554, 4 bases deleted (AGAA; older notation c.551_554delAGAA).
Protein change: p.Lys184fs; shifts the reading frame from lysine 184.
Molecular consequence: frameshift variant. On other transcripts: 3 prime UTR variant (2).
Genome position (GRCh38, 1-based): chr13:30,461,451-30,461,454, TTCT deleted on the plus strand (AGAA on the coding strand, the reverse complement: HMGB1 is on the minus strand); deleting any 4 consecutive bases within chr13:30,461,451-30,461,456 gives the same sequence; the c. name uses the placement nearest the transcript's 3' end. VCF-style (leftmost placement, unchanged base first): chr13-30461450-CTTCT-C. GRCh37 (hg19) VCF-style: chr13-31035587-CTTCT-C.
Other names: c.551_554del, p.Lys184fs (NM_001313892.2, NM_001313893.1, NM_001370340.1 and 1 more transcripts); c.*124_*127del (NM_001363661.2); c.*229_*232del (NM_001370339.1); c.551_554delAGAA (NM_002128.7); short protein forms K184fs.
Identifiers: ClinVar variation 1810206 (VCV001810206.1), dbSNP rs2500460631, ClinGen allele CA2580086896.